The following is an entry in ClinVar:

ClinVar aggregate classification (germline): Uncertain significance (1 of 4 stars; one submission).

Submission:

GeneDx
Classification: Uncertain significance. Last evaluated: 2025-03-10. Review status: criteria provided, single submitter. Criteria: GeneDx Variant Classification Process June 2021. Collection method: clinical testing. Allele origin: germline. Affected: yes.
Comment: Not observed at significant frequency in large population cohorts (gnomAD); In silico analysis supports that this missense variant has a deleterious effect on protein structure/function; Has not been previously published as pathogenic or benign to our knowledge

NM_001378974.1(FBXW11):c.1017C>A (p.His339Gln)

Gene: FBXW11 (F-box and WD repeat domain containing 11; minus strand). Cytogenetic location: 5q35.1.
Variant type: single nucleotide variant.
Coding change: c.1017C>A on transcript NM_001378974.1 (MANE Select); coding-DNA position 1017, C replaced by A.
Protein change: p.His339Gln; replaces histidine 339 with glutamine.
Molecular consequence: missense variant.
Genome position (GRCh38, 1-based): chr5:171,876,489, G>T on the plus strand (C>A on the coding strand, the complement: FBXW11 is on the minus strand). VCF-style: chr5-171876489-G-T. GRCh37 (hg19) VCF-style: chr5-171303493-G-T.
Other names: c.948C>A, p.His316Gln (NM_001378975.1); c.921C>A, p.His307Gln (NM_001378976.1); c.858C>A, p.His286Gln (NM_001378977.1, NM_001378978.1, NM_001378979.1); c.852C>A, p.His284Gln (NM_001378980.1, NM_033645.3); c.954C>A, p.His318Gln (NM_012300.3); c.915C>A, p.His305Gln (NM_033644.3); short protein forms H284Q, H286Q, H305Q, H307Q, H316Q, H318Q, H339Q.
Identifiers: ClinVar variation 3372880 (VCV003372880.2).